The following is an entry in ClinVar:

ClinVar aggregate classification (germline): Conflicting classifications of pathogenicity. Review status: criteria provided, conflicting classifications (1 of 4 stars). 6 submissions from 6 submitters: Uncertain significance (3); Benign (1); Likely benign (1). 1 of the submissions does not count toward it. Last evaluated 2026-02-10.

Conditions:
CLCN1-related disorder. Also called: CLCN1-related condition.
Congenital myotonia, autosomal recessive form. Also called: Becker Generalized Myotonia; myotonia congenita, autosomal recessive; BECKER DISEASE. Identifiers: Orphanet 614, MedGen C0751360, MONDO:0009715, OMIM 255700.
Congenital myotonia, autosomal dominant form (THD). Also called: THOMSEN DISEASE; Myotonia congenita autosomal dominant. Identifiers: Orphanet 614, MedGen C2936781, MONDO:0008055, OMIM 160800.
Batten-Turner congenital myopathy. Also called: Myotonia congenita; Congenital myotonia. Identifiers: Orphanet 206973, MedGen C0027127, MONDO:0100468, OMIM 255300.

Allele frequency attached by ClinVar (database versions not stated): gnomAD 0.00004 and 0.00010; TOPMed 0.00005; ExAC 0.00031; gnomAD exomes 0.00032.
gnomAD v4.1: 259 of 1,613,936 alleles (0.016%); highest among the groups gnomAD compares: South Asian, 0.23%; 2 homozygotes.

Submissions (6):

GeneDx
Classification: Uncertain significance. Last evaluated: 2026-02-10. Review status: criteria provided, single submitter. Criteria: GeneDx Variant Classification Process June 2021. Collection method: clinical testing. Allele origin: germline.
Comment: In silico analysis suggests that this missense variant does not alter protein structure/function; Has not been previously published as pathogenic or benign to our knowledge

Labcorp Genetics (formerly Invitae), Labcorp
Classification: Likely benign for Congenital myotonia, autosomal recessive form; Congenital myotonia, autosomal dominant form. Last evaluated: 2025-12-20. Review status: criteria provided, single submitter. Criteria: Invitae Variant Classification Sherloc (09022015). Collection method: clinical testing. Allele origin: germline.

Revvity Omics, Revvity
Classification: Uncertain significance. Last evaluated: 2019-08-20. Review status: criteria provided, single submitter. Criteria: ACMG Guidelines, 2015. Collection method: clinical testing. Allele origin: germline.

Athena Diagnostics
Classification: Uncertain significance. Last evaluated: 2018-07-25. Review status: criteria provided, single submitter. Criteria: Athena Diagnostics Criteria. Collection method: clinical testing. Allele origin: germline.

Illumina Laboratory Services, Illumina
Classification: Benign for Myotonia congenita. Last evaluated: 2018-01-13. Review status: criteria provided, single submitter. Criteria: ICSL Variant Classification Criteria 13 December 2019. Collection method: clinical testing. Allele origin: germline.
Comment: This variant was observed in the ICSL laboratory as part of a predisposition screen in an ostensibly healthy population. It had not been previously curated by ICSL or reported in the Human Gene Mutation Database (HGMD: prior to June 1st, 2018), and was therefore a candidate for classification through an automated scoring system. Utilizing variant allele frequency, disease prevalence and penetrance estimates, and inheritance mode, an automated score was calculated to assess if this variant is too frequent to cause the disease. Based on the score and internal cut-off values, a variant classified as benign is not then subjected to further curation. The score for this variant resulted in a classification of benign for this disease.

PreventionGenetics, part of Exact Sciences
Classification: Likely benign for CLCN1-related condition. Last evaluated: 2022-03-21. Review status: no assertion criteria provided. Collection method: clinical testing. Allele origin: germline. Not counted in ClinVar's aggregate classification.
Comment: This variant is classified as likely benign based on ACMG/AMP sequence variant interpretation guidelines (Richards et al. 2015 PMID: 25741868, with internal and published modifications).

NM_000083.3(CLCN1):c.412G>A (p.Val138Ile)

Gene: CLCN1 (chloride voltage-gated channel 1; plus strand). Cytogenetic location: 7q34.
Variant type: single nucleotide variant.
Coding change: c.412G>A on transcript NM_000083.3 (MANE Select); coding-DNA position 412, G replaced by A.
Protein change: p.Val138Ile; replaces valine 138 with isoleucine.
Molecular consequence: missense variant. On other transcripts: non-coding transcript variant (1).
Genome position (GRCh38, 1-based): chr7:143,320,774, G>A. VCF-style: chr7-143320774-G-A. GRCh37 (hg19) VCF-style: chr7-143017867-G-A.
Other names: short protein forms V138I.
Identifiers: ClinVar variation 585689 (VCV000585689.20), dbSNP rs762344462, ClinGen allele CA4536928.